The following is an entry in ClinVar:

ClinVar aggregate classification (germline): Uncertain significance (1 of 4 stars; one submission).

Conditions:
Inborn genetic diseases. Identifiers: MedGen C0950123, MeSH D030342.

gnomAD v4.1: 1 of 1,613,610 alleles (0.000062%); no homozygotes.

Submission:

Ambry Genetics
Classification: Uncertain significance for Inborn genetic diseases. Last evaluated: 2023-09-23. Review status: criteria provided, single submitter. Criteria: Ambry Variant Classification Scheme 2023. Collection method: clinical testing. Allele origin: germline.
Comment: The p.A1215S variant (also known as c.3643G>T), located in coding exon 27 of the LRRK2 gene, results from a G to T substitution at nucleotide position 3643. The alanine at codon 1215 is replaced by serine, an amino acid with similar properties. This amino acid position is conserved. In addition, this alteration is predicted to be tolerated by in silico analysis. Since supporting evidence is limited at this time, the clinical significance of this alteration remains unclear.

NM_198578.4(LRRK2):c.3643G>T (p.Ala1215Ser)

Gene: LRRK2 (leucine rich repeat kinase 2; plus strand). Cytogenetic location: 12q12.
Variant type: single nucleotide variant.
Coding change: c.3643G>T on transcript NM_198578.4 (MANE Select); coding-DNA position 3643, G replaced by T.
Protein change: p.Ala1215Ser; replaces alanine 1215 with serine.
Molecular consequence: missense variant.
Genome position (GRCh38, 1-based): chr12:40,304,000, G>T. VCF-style: chr12-40304000-G-T. GRCh37 (hg19) VCF-style: chr12-40697802-G-T.
Other names: short protein forms A1215S.
Identifiers: ClinVar variation 1733534 (VCV001733534.2), dbSNP rs143710836, ClinGen allele CA384416630.